The following is an entry in ClinVar:

ClinVar aggregate classification (germline): Conflicting classifications of pathogenicity. Review status: criteria provided, conflicting classifications (1 of 4 stars). 2 submissions from 2 submitters: Likely pathogenic (1); Uncertain significance (1). Last evaluated 2022-07-06.

Conditions:
Retinitis pigmentosa (RP). Identifiers: Orphanet 791, MedGen C0035334, MeSH D012174, MONDO:0019200, OMIM 268000. Inheritance: Autosomal dominant, autosomal recessive and X linked inheritance.
Leber congenital amaurosis 8 (LCA8). Identifiers: Orphanet 65, MedGen C3151202, MONDO:0013453, OMIM 613835.
Retinitis pigmentosa 12 (RP12). Also called: RP WITH OR WITHOUT PRESERVED PARAARTERIOLE RETINAL PIGMENT EPITHELIUM; RETINITIS PIGMENTOSA WITH OR WITHOUT PARAARTERIOLAR PRESERVATION OF RETINAL PIGMENT EPITHELIUM; RP WITH OR WITHOUT PPRPE. Identifiers: Orphanet 791, MedGen C1838647, MONDO:0010818, OMIM 600105.

Allele frequency attached by ClinVar (database versions not stated): gnomAD exomes below 0.00001 and 0.00001; TOPMed below 0.00001; ExAC 0.00001; gnomAD 0.00001.
gnomAD v4.1: 6 of 1,614,002 alleles (0.00037%); highest among the groups gnomAD compares: Admixed American, 0.0017%; no homozygotes.

Submissions (2):

Labcorp Genetics (formerly Invitae), Labcorp
Classification: Likely pathogenic for Leber congenital amaurosis 8; Retinitis pigmentosa 12. Last evaluated: 2022-07-06. Review status: criteria provided, single submitter. Criteria: Invitae Variant Classification Sherloc (09022015). Collection method: clinical testing. Allele origin: germline.
Comment: This variant is present in population databases (rs768905244, gnomAD 0.003%). This sequence change replaces glycine, which is neutral and non-polar, with aspartic acid, which is acidic and polar, at codon 615 of the CRB1 protein (p.Gly615Asp). This variant has not been reported in the literature in individuals affected with CRB1-related conditions. In summary, the currently available evidence indicates that the variant is pathogenic, but additional data are needed to prove that conclusively. Therefore, this variant has been classified as Likely Pathogenic. This variant disrupts the p.Gly615 amino acid residue in CRB1. Other variant(s) that disrupt this residue have been determined to be pathogenic (PMID: 23449718, 31456290). This suggests that this residue is clinically significant, and that variants that disrupt this residue are likely to be disease-causing. Advanced modeling of protein sequence and biophysical properties (such as structural, functional, and spatial information, amino acid conservation, physicochemical variation, residue mobility, and thermodynamic stability) performed at Invitae indicates that this missense variant is expected to disrupt CRB1 protein function. ClinVar contains an entry for this variant (Variation ID: 1297153).

Broad Center for Mendelian Genomics, Broad Institute of MIT and Harvard
Classification: Uncertain significance for Retinitis pigmentosa. Last evaluated: 2021-04-01. Review status: criteria provided, single submitter. Criteria: ACMG Guidelines, 2015. Collection method: curation. Allele origin: germline. Inheritance: Autosomal recessive inheritance. Affected: yes.
Comment: Through a review of available evidence we were able to apply the following criteria: PM2, PP3, PM3-P. Based on this evidence we have classified this variant as a Variant of Uncertain Significance. If you have any questions about the classification please reach out to the Pierce Lab.

Literature cited by the submitters: PubMed 23449718 (cited by Labcorp Genetics (formerly Invitae), Labcorp); PubMed 31456290 (cited by Labcorp Genetics (formerly Invitae), Labcorp); PubMed 34906470 (cited by Broad Center for Mendelian Genomics, Broad Institute of MIT and Harvard).

NM_201253.3(CRB1):c.1844G>A (p.Gly615Asp)

Gene: CRB1 (crumbs cell polarity complex component 1; plus strand). Cytogenetic location: 1q31.3.
Variant type: single nucleotide variant.
Coding change: c.1844G>A on transcript NM_201253.3 (MANE Select); coding-DNA position 1844, G replaced by A.
Protein change: p.Gly615Asp; replaces glycine 615 with aspartic acid.
Molecular consequence: missense variant. On other transcripts: non-coding transcript variant (1).
Genome position (GRCh38, 1-based): chr1:197,421,672, G>A. VCF-style: chr1-197421672-G-A. GRCh37 (hg19) VCF-style: chr1-197390802-G-A.
Other names: c.1508G>A, p.Gly503Asp (NM_001193640.2); c.1637G>A, p.Gly546Asp (NM_001257965.2); c.1844G>A, p.Gly615Asp (NM_001257966.2); short protein forms G503D, G546D, G615D.
Identifiers: ClinVar variation 1297153 (VCV001297153.6), dbSNP rs768905244, ClinGen allele CA1311994.
Genomic context (GRCh38, chr1:197,421,672, plus strand): 5'-CTCCTACTCCACTTGAAAGTGATCAATCAATATGTGCTTTTCAGAACTCCTTTTTGGGTG[G>A]TTTACCAGTGGGAATGACCAGCAATGGTGTTGCTCTGCTTAACTTCTATAATATGCCATC-3'
Protein context (NP_957705.1, residues 605-625): ICAFQNSFLG[Gly615Asp]LPVGMTSNGV